The following is an entry in ClinVar:

ClinVar aggregate classification (germline): Uncertain significance (1 of 4 stars; one submission).

gnomAD v4.1: 13 of 1,583,896 alleles (0.00082%); highest among the groups gnomAD compares: Non-Finnish European, 0.0011%; no homozygotes.

Submission:

GeneDx
Classification: Uncertain significance. Last evaluated: 2024-11-21. Review status: criteria provided, single submitter. Criteria: GeneDx Variant Classification Process June 2021. Collection method: clinical testing. Allele origin: germline. Affected: yes.
Comment: Not observed at significant frequency in large population cohorts (gnomAD); In silico analysis indicates that this missense variant does not alter protein structure/function; Has not been previously published as pathogenic or benign to our knowledge

NM_207361.6(FREM2):c.341C>T (p.Ala114Val)

Gene: FREM2 (FRAS1 related extracellular matrix 2; plus strand). Cytogenetic location: 13q13.3.
Variant type: single nucleotide variant.
Coding change: c.341C>T on transcript NM_207361.6 (MANE Select); coding-DNA position 341, C replaced by T.
Protein change: p.Ala114Val; replaces alanine 114 with valine.
Molecular consequence: missense variant.
Genome position (GRCh38, 1-based): chr13:38,687,685, C>T. VCF-style: chr13-38687685-C-T. GRCh37 (hg19) VCF-style: chr13-39261822-C-T.
Other names: short protein forms A114V.
Identifiers: ClinVar variation 3900439 (VCV003900439.1).